The following is an entry in ClinVar:

ClinVar aggregate classification (germline): Likely benign. Review status: criteria provided, multiple submitters, no conflicts (2 of 4 stars). 2 submissions from 2 submitters: Likely benign (2). Last evaluated 2024-12-05.

gnomAD v4.1: 2 of 1,164,860 alleles (0.00017%); highest among the groups gnomAD compares: South Asian, 0.0038%; no homozygotes.

Submissions (2):

Labcorp Genetics (formerly Invitae), Labcorp
Classification: Likely benign. Last evaluated: 2024-12-05. Review status: criteria provided, single submitter. Criteria: Invitae Variant Classification Sherloc (09022015). Collection method: clinical testing. Allele origin: germline.

Laboratory for Molecular Medicine, Mass General Brigham Personalized Medicine
Classification: Likely benign. Last evaluated: 2018-02-27. Review status: criteria provided, single submitter. Criteria: LMM Criteria. Collection method: clinical testing. Allele origin: germline. Observed: 1 variant allele.
Comment: p.Ile703Ile in exon 27 of COL4A5: This variant is not expected to have clinical significance because it does not alter an amino acid residue, it is not located in the splice consensus sequence, and it is not expected to impact splicing. It has been identified in 1/14980 South Asian chromosomes, including 1 hemizygote, by the Genome Aggregation Database (gnomAD; d bSNP rs369092053). ACMG/AMP Criteria applied: BP4; BP7.

NM_033380.3(COL4A5):c.2109C>T (p.Ile703=)

Gene: COL4A5 (collagen type IV alpha 5 chain; plus strand). Cytogenetic location: Xq22.3.
Variant type: single nucleotide variant.
Coding change: c.2109C>T on transcript NM_033380.3 (MANE Select); coding-DNA position 2109, C replaced by T.
Protein change: p.Ile703=; no amino-acid change (isoleucine 703 retained).
Molecular consequence: synonymous variant.
Genome position (GRCh38, 1-based): chrX:108,601,952, C>T. VCF-style: chrX-108601952-C-T. GRCh37 (hg19) VCF-style: chrX-107845182-C-T.
Other names: c.2109C>T, p.Ile703= (NM_000495.5).
Identifiers: ClinVar variation 666683 (VCV000666683.12), dbSNP rs369092053, ClinGen allele CA517922822.